The following is an entry in ClinVar:

ClinVar aggregate classification (germline): Conflicting classifications of pathogenicity. Review status: criteria provided, conflicting classifications (1 of 4 stars). 3 submissions from 3 submitters: Pathogenic (1); Uncertain significance (1). 1 of the submissions does not count toward it. Last evaluated 2025-03-09.

Conditions:
Vibratory urticaria (VBU). Identifiers: MedGen C0157743, MONDO:0006618, OMIM 125630, HP:0410138.

Submissions (3):

Labcorp Genetics (formerly Invitae), Labcorp
Classification: Uncertain significance. Last evaluated: 2025-03-09. Review status: criteria provided, single submitter. Criteria: Invitae Variant Classification Sherloc (09022015). Collection method: clinical testing. Allele origin: germline.
Comment: This sequence change replaces cysteine, which is neutral and slightly polar, with tyrosine, which is neutral and polar, at codon 492 of the ADGRE2 protein (p.Cys492Tyr). This variant is not present in population databases (gnomAD no frequency). This missense change has been observed in individual(s) with vibratory urticaria (PMID: 26841242). ClinVar contains an entry for this variant (Variation ID: 222005). An algorithm developed to predict the effect of missense changes on protein structure and function outputs the following: PolyPhen-2: "Benign". The tyrosine amino acid residue is found in multiple mammalian species, which suggests that this missense change does not adversely affect protein function. Experimental studies have shown that this missense change affects ADGRE2 function (PMID: 26841242, 32222457). In summary, the available evidence is currently insufficient to determine the role of this variant in disease. Therefore, it has been classified as a Variant of Uncertain Significance.

Mendelics
Classification: Pathogenic for Vibratory urticaria. Last evaluated: 2022-05-04. Review status: criteria provided, single submitter. Criteria: Mendelics Assertion Criteria 2019. Collection method: clinical testing. Allele origin: germline.

OMIM
Classification: Pathogenic for VIBRATORY URTICARIA. Last evaluated: 2016-06-24. Review status: no assertion criteria provided. Collection method: literature only. Allele origin: germline. Not counted in ClinVar's aggregate classification.

Literature cited by the submitters: PubMed 26841242 (cited by Labcorp Genetics (formerly Invitae), Labcorp); PubMed 32222457 (cited by Labcorp Genetics (formerly Invitae), Labcorp); PubMed 7294069 (cited by OMIM); Boyden, S. E., Desai, A., Cruse, G., Young, M. L., Bolan, H. C., Scott, L. M., Eisch, A. R., Long, R. D., Lee, C.-C. R., Satorius, C. L., Pakstis, A. J., Olivera, A., Mullikin, J. C., Chouery, E., Megarbane, A., Medlej-Hashim, M., Kidd, K. K., Kastner, D. L., Metcalfe, D. D., Komarow, H. D. Vibratory urticaria associated with a missense variant in ADGRE2. New Eng. J. Med. 374: 656-663, 2016. (cited by OMIM).

NM_013447.4(ADGRE2):c.1475G>A (p.Cys492Tyr)

Gene: ADGRE2 (adhesion G protein-coupled receptor E2; minus strand). Cytogenetic location: 19p13.12.
Variant type: single nucleotide variant.
Coding change: c.1475G>A on transcript NM_013447.4 (MANE Select); coding-DNA position 1475, G replaced by A.
Protein change: p.Cys492Tyr; replaces cysteine 492 with tyrosine.
Molecular consequence: missense variant. On other transcripts: intron variant (1).
Genome position (GRCh38, 1-based): chr19:14,755,069, C>T on the plus strand (G>A on the coding strand, the complement: ADGRE2 is on the minus strand). VCF-style: chr19-14755069-C-T. GRCh37 (hg19) VCF-style: chr19-14865881-C-T.
Other names: c.1416+585G>A (NM_001271052.1); short protein forms C492Y.
Identifiers: ClinVar variation 222005 (VCV000222005.4), dbSNP rs199718602, ClinGen allele CA065252.